The following is an entry in ClinVar:

NM_004667.6(HERC2):c.5872C>G (p.His1958Asp)

Gene: HERC2 (HECT and RLD domain containing E3 ubiquitin protein ligase 2; minus strand). Cytogenetic location: 15q13.1.
Variant type: single nucleotide variant.
Coding change: c.5872C>G on transcript NM_004667.6 (MANE Select); coding-DNA position 5872, C replaced by G.
Protein change: p.His1958Asp; replaces histidine 1958 with aspartic acid.
Molecular consequence: missense variant.
Genome position (GRCh38, 1-based): chr15:28,218,645, G>C on the plus strand (C>G on the coding strand, the complement: HERC2 is on the minus strand). VCF-style: chr15-28218645-G-C. GRCh37 (hg19) VCF-style: chr15-28463791-G-C.
Other names: short protein forms H1958D.
Identifiers: ClinVar variation 1029882 (VCV001029882.1), dbSNP rs1900185109, ClinGen allele CA391404940.

ClinVar aggregate classification (germline): Uncertain significance (1 of 4 stars; one submission).

Conditions:
Developmental delay with autism spectrum disorder and gait instability (MRT38). Also called: Intellectual developmental disorder, autosomal recessive 38. Identifiers: Orphanet 329195, MedGen C3809753, MONDO:0014224, OMIM 615516.

Submission:

Baylor Genetics
Classification: Uncertain significance for Developmental delay with autism spectrum disorder and gait instability. Last evaluated: 2020-01-20. Review status: criteria provided, single submitter. Criteria: ACMG Guidelines, 2015. Collection method: clinical testing. Allele origin: unknown. Affected: yes.
Comment: This variant was determined to be of uncertain significance according to ACMG Guidelines, 2015 [PMID:25741868].